The following is an entry in ClinVar:

ClinVar aggregate classification (germline): Uncertain significance. Review status: criteria provided, multiple submitters, no conflicts (2 of 4 stars). 2 submissions from 2 submitters: Uncertain significance (2). Last evaluated 2025-04-14.

Conditions:
Gastrointestinal stromal tumor. Also called: Gastrointestinal stromal tumor, somatic; Gastrointestinal stroma tumor. Identifiers: Orphanet 44890, MedGen C0238198, MeSH D046152, MONDO:0011719, OMIM 606764, HP:0100723.
Hereditary cancer-predisposing syndrome. Also called: Neoplastic Syndromes, Hereditary; Hereditary Cancer Syndrome; Hereditary neoplastic syndrome; Tumor predisposition. Identifiers: Orphanet 140162, MedGen C0027672, MeSH D009386, MONDO:0015356.

Allele frequency attached by ClinVar (database versions not stated): gnomAD exomes 0.00001 and below 0.00001.
gnomAD v4.1: 10 of 1,614,038 alleles (0.00062%); highest among the groups gnomAD compares: Middle Eastern, 0.017%; no homozygotes.

Submissions (2):

Ambry Genetics
Classification: Uncertain significance for Hereditary cancer-predisposing syndrome. Last evaluated: 2025-04-14. Review status: criteria provided, single submitter. Criteria: Ambry Variant Classification Scheme 2023. Collection method: clinical testing. Allele origin: germline.
Comment: The p.N938S variant (also known as c.2813A>G), located in coding exon 21 of the KIT gene, results from an A to G substitution at nucleotide position 2813. The asparagine at codon 938 is replaced by serine, an amino acid with highly similar properties. This amino acid position is highly conserved in available vertebrate species. In addition, this alteration is predicted to be tolerated by in silico analysis. Based on the available evidence, the clinical significance of this variant remains unclear.

Labcorp Genetics (formerly Invitae), Labcorp
Classification: Uncertain significance for Gastrointestinal stromal tumor. Last evaluated: 2023-11-13. Review status: criteria provided, single submitter. Criteria: Invitae Variant Classification Sherloc (09022015). Collection method: clinical testing. Allele origin: germline.
Comment: This sequence change replaces asparagine, which is neutral and polar, with serine, which is neutral and polar, at codon 938 of the KIT protein (p.Asn938Ser). This variant is present in population databases (no rsID available, gnomAD 0.006%). This variant has not been reported in the literature in individuals affected with KIT-related conditions. ClinVar contains an entry for this variant (Variation ID: 1001121). An algorithm developed to predict the effect of missense changes on protein structure and function (PolyPhen-2) suggests that this variant is likely to be disruptive. In summary, the available evidence is currently insufficient to determine the role of this variant in disease. Therefore, it has been classified as a Variant of Uncertain Significance.

NM_000222.3(KIT):c.2813A>G (p.Asn938Ser)

Gene: KIT (KIT proto-oncogene, receptor tyrosine kinase; plus strand). Cytogenetic location: 4q12.
Variant type: single nucleotide variant.
Coding change: c.2813A>G on transcript NM_000222.3 (MANE Select); coding-DNA position 2813, A replaced by G.
Protein change: p.Asn938Ser; replaces asparagine 938 with serine.
Molecular consequence: missense variant.
Genome position (GRCh38, 1-based): chr4:54,738,439, A>G. VCF-style: chr4-54738439-A-G. GRCh37 (hg19) VCF-style: chr4-55604605-A-G.
Other names: c.2801A>G, p.Asn934Ser (NM_001093772.2, NM_001385292.1); c.2816A>G, p.Asn939Ser (NM_001385284.1); c.2810A>G, p.Asn937Ser (NM_001385285.1); c.2798A>G, p.Asn933Ser (NM_001385286.1); c.2804A>G, p.Asn935Ser (NM_001385288.1); c.2813A>G, p.Asn938Ser (NM_001385290.1); c.2813A>G (NM_000222.2); short protein forms N933S, N934S, N935S, N937S, N938S, N939S.
Identifiers: ClinVar variation 1001121 (VCV001001121.10), dbSNP rs1379323416, ClinGen allele CA356915713.